The following is an entry in ClinVar:

ClinVar aggregate classification (germline): Uncertain significance (1 of 4 stars; one submission).

Allele frequency attached by ClinVar (database versions not stated): gnomAD exomes below 0.00001 and 0.00001; gnomAD 0.00002; TOPMed 0.00002; ESP Exome Variant Server 0.00008.
gnomAD v4.1: 9 of 1,568,532 alleles (0.00057%); highest among the groups gnomAD compares: African/African-American, 0.0027%; 1 homozygote.

Submission:

Labcorp Genetics (formerly Invitae), Labcorp
Classification: Uncertain significance. Last evaluated: 2024-09-05. Review status: criteria provided, single submitter. Criteria: Invitae Variant Classification Sherloc (09022015). Collection method: clinical testing. Allele origin: germline.
Comment: This sequence change falls in intron 10 of the PEPD gene. It does not directly change the encoded amino acid sequence of the PEPD protein. The frequency data for this variant in the population databases is considered unreliable, as metrics indicate poor data quality at this position in the gnomAD database. This variant has not been reported in the literature in individuals affected with PEPD-related conditions. ClinVar contains an entry for this variant (Variation ID: 1427610). Algorithms developed to predict the effect of sequence changes on RNA splicing suggest that this variant may disrupt the consensus splice site. In summary, the available evidence is currently insufficient to determine the role of this variant in disease. Therefore, it has been classified as a Variant of Uncertain Significance.

NM_000285.4(PEPD):c.741-12G>A

Gene: PEPD (peptidase D; minus strand). Cytogenetic location: 19q13.11.
Variant type: single nucleotide variant.
Coding change: c.741-12G>A on transcript NM_000285.4 (MANE Select); 12 bases into the intron before coding-DNA position 741, G replaced by A.
Molecular consequence: intron variant.
Genome position (GRCh38, 1-based): chr19:33,411,761, C>T on the plus strand (G>A on the coding strand, the complement: PEPD is on the minus strand). VCF-style: chr19-33411761-C-T. GRCh37 (hg19) VCF-style: chr19-33902667-C-T.
Other names: c.549-12G>A (NM_001166057.2); c.618-12G>A (NM_001166056.2).
Identifiers: ClinVar variation 1427610 (VCV001427610.6), dbSNP rs375510790, ClinGen allele CA307594202.